The following is an entry in ClinVar:

NM_001371623.1(TCOF1):c.4360dup (p.Glu1454fs)

Gene: TCOF1 (treacle ribosome biogenesis factor 1; plus strand). Cytogenetic location: 5q32.
Variant type: Duplication.
Coding change: c.4360dup on transcript NM_001371623.1 (MANE Select); coding-DNA position 4360, one base duplicated (G; older notation c.4360dupG).
Protein change: p.Glu1454fs; shifts the reading frame from glutamic acid 1454.
Molecular consequence: frameshift variant.
Genome position (GRCh38, 1-based): chr5:150,398,368, G duplicated. VCF-style (leftmost placement, unchanged base first): chr5-150398367-A-AG. GRCh37 (hg19) VCF-style: chr5-149777930-A-AG.
Other names: c.4126dup, p.Glu1376fs (NM_000356.4); c.4357dup, p.Glu1453fs (NM_001135243.2); c.4246dup, p.Glu1416fs (NM_001135244.2); c.4129dup, p.Glu1377fs (NM_001135245.2); c.4243dup, p.Glu1415fs (NM_001195141.2); short protein forms E1376fs, E1377fs, E1415fs, E1416fs, E1453fs, E1454fs.
Identifiers: ClinVar variation 3907735 (VCV003907735.2).
Genomic context (GRCh38, chr5:150,398,367, plus strand): 5'-TTAGGATTACCATCTGTTGTTCAGGAACTTTACTTTACTTCCCTTAGGAAAAAAAGACAA[A>AG]GAAAAAAAAGAAAAGAAGAAGAAAGCAAAAAAGGCCTCAACCAAAGATTCTGAGTCACCG-3'

ClinVar aggregate classification (germline): Pathogenic. Review status: criteria provided, multiple submitters, no conflicts (2 of 4 stars). 2 submissions from 2 submitters: Pathogenic (2). Last evaluated 2024-12-26.

Conditions:
TCOF1-related disorder. Also called: TCOF1-related condition.

Submissions (2):

GeneDx
Classification: Pathogenic. Last evaluated: 2024-12-26. Review status: criteria provided, single submitter. Criteria: GeneDx Variant Classification Process June 2021. Collection method: clinical testing. Allele origin: germline. Affected: yes.
Comment: Frameshift variant predicted to result in abnormal protein length as the last 36 amino acid(s) are replaced with 17 different amino acid(s), and other similar variants have been reported in HGMD; Not observed at significant frequency in large population cohorts (gnomAD); This variant is associated with the following publications: (PMID: 21848650)

Blueprint Genetics
Classification: Pathogenic for TCOF1-related disorders. Last evaluated: 2022-06-16. Review status: criteria provided, single submitter. Criteria: ACMG Guidelines, 2015. Collection method: clinical testing. Allele origin: germline. Affected: yes. Observed: 1 variant allele.